The following is an entry in ClinVar:

NM_006514.4(SCN10A):c.1351A>T (p.Thr451Ser)

Gene: SCN10A (sodium voltage-gated channel alpha subunit 10; minus strand). Cytogenetic location: 3p22.2.
Variant type: single nucleotide variant.
Coding change: c.1351A>T on transcript NM_006514.4 (MANE Select); coding-DNA position 1351, A replaced by T.
Protein change: p.Thr451Ser; replaces threonine 451 with serine.
Molecular consequence: missense variant.
Genome position (GRCh38, 1-based): chr3:38,755,898, T>A on the plus strand (A>T on the coding strand, the complement: SCN10A is on the minus strand). VCF-style: chr3-38755898-T-A. GRCh37 (hg19) VCF-style: chr3-38797389-T-A.
Other names: c.1351A>T, p.Thr451Ser (NM_001293306.2, NM_001293307.2); short protein forms T451S.
Identifiers: ClinVar variation 2127922 (VCV002127922.4), dbSNP rs747758544, ClinGen allele CA352168992.

ClinVar aggregate classification (germline): Uncertain significance (1 of 4 stars; one submission).

Conditions:
Brugada syndrome. Also called: Sudden unexpected nocturnal death syndrome; Sudden Unexplained Death Syndrome; Sudden Unexplained Nocturnal Death Syndrome (SUNDS); Sudden unexplained nocturnal death syndrome. Identifiers: Orphanet 130, MedGen C1142166, MONDO:0015263.

Submission:

Labcorp Genetics (formerly Invitae), Labcorp
Classification: Uncertain significance for Brugada syndrome. Last evaluated: 2022-04-19. Review status: criteria provided, single submitter. Criteria: Invitae Variant Classification Sherloc (09022015). Collection method: clinical testing. Allele origin: germline.
Comment: This variant is not present in population databases (gnomAD no frequency). In summary, the available evidence is currently insufficient to determine the role of this variant in disease. Therefore, it has been classified as a Variant of Uncertain Significance. Advanced modeling of protein sequence and biophysical properties (such as structural, functional, and spatial information, amino acid conservation, physicochemical variation, residue mobility, and thermodynamic stability) performed at Invitae indicates that this missense variant is not expected to disrupt SCN10A protein function. This variant has not been reported in the literature in individuals affected with SCN10A-related conditions. This sequence change replaces threonine, which is neutral and polar, with serine, which is neutral and polar, at codon 451 of the SCN10A protein (p.Thr451Ser).